The following is an entry in ClinVar:

NM_002499.4(NEO1):c.1054G>A (p.Ala352Thr)

Gene: NEO1 (neogenin 1; plus strand). Cytogenetic location: 15q24.1.
Variant type: single nucleotide variant.
Coding change: c.1054G>A on transcript NM_002499.4 (MANE Select); coding-DNA position 1054, G replaced by A.
Protein change: p.Ala352Thr; replaces alanine 352 with threonine.
Molecular consequence: missense variant.
Genome position (GRCh38, 1-based): chr15:73,176,441, G>A. VCF-style: chr15-73176441-G-A. GRCh37 (hg19) VCF-style: chr15-73468782-G-A.
Other names: c.1054G>A, p.Ala352Thr (NM_001172623.2, NM_001172624.2, NM_001419531.1); short protein forms A352T.
Identifiers: ClinVar variation 3358155 (VCV003358155.1).

ClinVar aggregate classification (germline): Uncertain significance (0 of 4 stars; one submission).

Conditions:
NEO1-related disorder. Also called: NEO1-related condition.

gnomAD v4.1: 2 of 1,605,070 alleles (0.00012%); highest among the groups gnomAD compares: Admixed American, 0.0017%; no homozygotes.

Submission:

PreventionGenetics, part of Exact Sciences
Classification: Uncertain significance for NEO1-related condition. Last evaluated: 2024-05-22. Review status: no assertion criteria provided. Collection method: clinical testing. Allele origin: germline.
Comment: The NEO1 c.1054G>A variant is predicted to result in the amino acid substitution p.Ala352Thr. To our knowledge, this variant has not been reported in the literature or in a large population database, indicating this variant is rare. At this time, the clinical significance of this variant is uncertain due to the absence of conclusive functional and genetic evidence.